The following is an entry in ClinVar:

ClinVar aggregate classification (germline): Pathogenic/Likely pathogenic. Review status: criteria provided, multiple submitters, no conflicts (2 of 4 stars). 2 submissions from 2 submitters: Pathogenic (1); Likely pathogenic (1). Last evaluated 2026-07-19.

Conditions:
Mirror movements 1 (MRMV1). Identifiers: Orphanet 238722, MedGen C1834870, OMIM 157600, MONDO:0008002.

gnomAD v4.1: 1 of 1,613,712 alleles (0.000062%); highest among the groups gnomAD compares: Admixed American, 0.0017%; no homozygotes.

Submissions (2):

GeneDx
Classification: Pathogenic. Last evaluated: 2026-07-19. Review status: criteria provided, single submitter. Criteria: GeneDx Variant Classification Process June 2021. Collection method: clinical testing. Allele origin: germline.
Comment: Nonsense variant predicted to result in protein truncation or nonsense mediated decay in a gene for which loss of function is a known mechanism of disease; Not observed at significant frequency in large population cohorts (gnomAD); Has not been previously published as pathogenic or benign to our knowledge

Variantyx, Inc.
Classification: Likely pathogenic for Mirror movements 1. Last evaluated: 2025-06-12. Review status: criteria provided, single submitter. Criteria: Variantyx Assertion Criteria 2022. Collection method: clinical testing. Allele origin: germline. Inheritance: Autosomal dominant inheritance. Affected: yes.
Comment: This is a nonsense variant in the DCC gene (OMIM: 120470). Pathogenic variants in this gene have been associated with autosomal dominant mirror movements 1 and/or agenesis of the corpus callosum. This variant has not been reported in individuals with DCC-related disorders in the databases available for review. This variant introduces a premature termination codon in exon 17 out of 29 and is expected to result in loss of function, which is a known disease mechanism for DCC in this disorder (PMID: 20431009, 21242494, 24808016) (PVS1). This variant has a 0.0022% maximum allele frequency in non-founder control populations (PM2). Based on the current evidence, this variant is classified as likely pathogenic for autosomal dominant mirror movements 1 and/or agenesis of the corpus callosum.Inheritance from an unaffected or mildly affected parent has been reported, consistent with incomplete penetrance and/or variable expressivity (PMID: 31697046, 32060908).

Literature cited by the submitters: PubMed 20431009 (cited by Variantyx, Inc.); PubMed 21242494 (cited by Variantyx, Inc.); PubMed 24808016 (cited by Variantyx, Inc.); PubMed 31697046 (cited by Variantyx, Inc.); PubMed 32060908 (cited by Variantyx, Inc.).

NM_005215.4(DCC):c.2635C>T (p.Arg879Ter)

Gene: DCC (DCC netrin 1 receptor; plus strand). Cytogenetic location: 18q21.2.
Variant type: single nucleotide variant.
Coding change: c.2635C>T on transcript NM_005215.4 (MANE Select); coding-DNA position 2635, C replaced by T.
Protein change: p.Arg879Ter; replaces arginine 879 with a stop codon.
Molecular consequence: nonsense.
Genome position (GRCh38, 1-based): chr18:53,391,834, C>T. VCF-style: chr18-53391834-C-T. GRCh37 (hg19) VCF-style: chr18-50918204-C-T.
Other names: short protein forms R879*.
Identifiers: ClinVar variation 4532371 (VCV004532371.3).